The following is an entry in ClinVar:

ClinVar aggregate classification (germline): Likely benign. Review status: criteria provided, single submitter (1 of 4 stars). 2 submissions from 2 submitters: Likely benign (1). 1 of the submissions does not count toward it. Last evaluated 2023-09-14.

Conditions:
Cohen syndrome (COH1). Also called: Cutis verticis gyrata, retinitis pigmentosa, and sensorineural deafness; PEPPER SYNDROME. Identifiers: Orphanet 193, MedGen C0265223, MONDO:0008999, OMIM 216550.
VPS13B-related disorder. Also called: VPS13B-related condition.

Allele frequency attached by ClinVar (database versions not stated): gnomAD exomes below 0.00001; TOPMed below 0.00001; ExAC 0.00001; gnomAD 0.00001; ESP Exome Variant Server 0.00008.
gnomAD v4.1: 3 of 1,613,712 alleles (0.00019%); highest among the groups gnomAD compares: African/African-American, 0.004%; no homozygotes.

Submissions (2):

Labcorp Genetics (formerly Invitae), Labcorp
Classification: Likely benign for Cohen syndrome. Last evaluated: 2023-09-14. Review status: criteria provided, single submitter. Criteria: Invitae Variant Classification Sherloc (09022015). Collection method: clinical testing. Allele origin: germline.

PreventionGenetics, part of Exact Sciences
Classification: Likely benign for VPS13B-related condition. Last evaluated: 2024-03-23. Review status: no assertion criteria provided. Collection method: clinical testing. Allele origin: germline. Not counted in ClinVar's aggregate classification.
Comment: This variant is classified as likely benign based on ACMG/AMP sequence variant interpretation guidelines (Richards et al. 2015 PMID: 25741868, with internal and published modifications).

NM_152564.5(VPS13B):c.4653A>G (p.Glu1551=)

Gene: VPS13B (vacuolar protein sorting 13 homolog B; plus strand). Cytogenetic location: 8q22.2.
Variant type: single nucleotide variant.
Coding change: c.4653A>G on transcript NM_152564.5 (MANE Select); coding-DNA position 4653, A replaced by G.
Protein change: p.Glu1551=; no amino-acid change (glutamic acid 1551 retained).
Molecular consequence: synonymous variant.
Genome position (GRCh38, 1-based): chr8:99,520,918, A>G. VCF-style: chr8-99520918-A-G. GRCh37 (hg19) VCF-style: chr8-100533146-A-G.
Other names: c.4728A>G, p.Glu1576= (NM_017890.5); c.4653A>G (NM_152564.4).
Identifiers: ClinVar variation 1118827 (VCV001118827.10), dbSNP rs368552225, ClinGen allele CA4823582.